The following is an entry in ClinVar:

NM_001127178.3(PIGG):c.1408C>T (p.Pro470Ser)

Gene: PIGG (phosphatidylinositol glycan anchor biosynthesis class G (EMM blood group); plus strand). Cytogenetic location: 4p16.3.
Variant type: single nucleotide variant.
Coding change: c.1408C>T on transcript NM_001127178.3 (MANE Select); coding-DNA position 1408, C replaced by T.
Protein change: p.Pro470Ser; replaces proline 470 with serine.
Molecular consequence: missense variant. On other transcripts: synonymous variant (1), 3 prime UTR variant (1), 5 prime UTR variant (2), non-coding transcript variant (10).
Genome position (GRCh38, 1-based): chr4:521,735, C>T. VCF-style: chr4-521735-C-T. GRCh37 (hg19) VCF-style: chr4-515524-C-T.
Other names: c.1141C>T, p.Pro381Ser (NM_001289051.2, NM_001289053.2, NM_001345986.2); c.1009C>T, p.Pro337Ser (NM_001289052.2); c.996C>T, p.Leu332= (NM_001289055.2); c.*23C>T (NM_001289057.2); c.1117C>T, p.Pro373Ser (NM_001345987.2); c.379C>T, p.Pro127Ser (NM_001345988.2); c.1408C>T, p.Pro470Ser (NM_001345989.2); c.-126C>T (NM_001345990.2, NM_001345991.2); and 2 more; short protein forms P337S, P381S, P104S, P127S, P470S, P373S, P462S.
Identifiers: ClinVar variation 1506841 (VCV001506841.8), dbSNP rs2108947384, ClinGen allele CA355904485.

ClinVar aggregate classification (germline): Uncertain significance (1 of 4 stars; one submission).

Conditions:
Intellectual disability, autosomal recessive 53 (NEDHSCA). Also called: GLYCOSYLPHOSPHATIDYLINOSITOL BIOSYNTHESIS DEFECT 13; Mental retardation, autosomal recessive 53; NEURODEVELOPMENTAL DISORDER WITH OR WITHOUT HYPOTONIA, SEIZURES, AND CEREBELLAR ATROPHY. Identifiers: Orphanet 488635, MedGen C4310794, MONDO:0014832, OMIM 616917.

Submission:

Labcorp Genetics (formerly Invitae), Labcorp
Classification: Uncertain significance for Intellectual disability, autosomal recessive 53. Last evaluated: 2020-12-08. Review status: criteria provided, single submitter. Criteria: Invitae Variant Classification Sherloc (09022015). Collection method: clinical testing. Allele origin: germline.
Comment: In summary, the available evidence is currently insufficient to determine the role of this variant in disease. Therefore, it has been classified as a Variant of Uncertain Significance. Algorithms developed to predict the effect of missense changes on protein structure and function output the following: SIFT: "Tolerated"; PolyPhen-2: "Benign"; Align-GVGD: "Class C0". The serine amino acid residue is found in multiple mammalian species, suggesting that this missense change does not adversely affect protein function. These predictions have not been confirmed by published functional studies and their clinical significance is uncertain. This variant has not been reported in the literature in individuals with PIGG-related conditions. This variant is not present in population databases (ExAC no frequency). This sequence change replaces proline with serine at codon 470 of the PIGG protein (p.Pro470Ser). The proline residue is moderately conserved and there is a moderate physicochemical difference between proline and serine.